The following is an entry in ClinVar:

ClinVar aggregate classification (germline): Conflicting classifications of pathogenicity. Review status: criteria provided, conflicting classifications (1 of 4 stars). 4 submissions from 4 submitters: Pathogenic (1); Likely pathogenic (2); Uncertain significance (1). Last evaluated 2026-06-22.

Conditions:
CRB1-related disorder. Also called: CRB1-related condition; CRB1-related disorders.
Leber congenital amaurosis 8 (LCA8). Identifiers: Orphanet 65, MedGen C3151202, MONDO:0013453, OMIM 613835.
Retinal disorder. Also called: Retinopathies; Retinal Diseases; Retinopathy; Retinal disorders. Identifiers: MedGen C0035309, MONDO:0005283, HP:0000488.
Retinitis pigmentosa 12 (RP12). Also called: RP WITH OR WITHOUT PRESERVED PARAARTERIOLE RETINAL PIGMENT EPITHELIUM; RETINITIS PIGMENTOSA WITH OR WITHOUT PARAARTERIOLAR PRESERVATION OF RETINAL PIGMENT EPITHELIUM; RP WITH OR WITHOUT PPRPE. Identifiers: Orphanet 791, MedGen C1838647, MONDO:0010818, OMIM 600105.

Allele frequency attached by ClinVar (database versions not stated): gnomAD exomes 0.00001; ExAC 0.00002.
gnomAD v4.1: 2 of 1,614,186 alleles (0.00012%); highest among the groups gnomAD compares: South Asian, 0.0022%; no homozygotes.

Submissions (4):

Genetics Laboratory, Great Ormond Street Hospital NHS Foundation Trust, North Thames Genomic Laboratory Hub
Classification: Uncertain significance for Retinal disorders. Last evaluated: 2026-06-22. Review status: criteria provided, single submitter. Criteria: ACGS Best Practice Guidelines for Variant Classification in Rare Disease 2024 v1.2. Collection method: clinical testing. Allele origin: germline. Affected: yes.
Comment: PM2_moderate, PP3_supporting, PM3_moderate

Labcorp Genetics (formerly Invitae), Labcorp
Classification: Likely pathogenic for Leber congenital amaurosis 8; Retinitis pigmentosa 12. Last evaluated: 2024-03-04. Review status: criteria provided, single submitter. Criteria: Invitae Variant Classification Sherloc (09022015). Collection method: clinical testing. Allele origin: germline.
Comment: This sequence change replaces cysteine, which is neutral and slightly polar, with arginine, which is basic and polar, at codon 201 of the CRB1 protein (p.Cys201Arg). This variant is present in population databases (rs762835866, gnomAD 0.007%). This missense change has been observed in individuals with retinitis pigmentosa (PMID: 33579689; Invitae). ClinVar contains an entry for this variant (Variation ID: 968530). Advanced modeling of protein sequence and biophysical properties (such as structural, functional, and spatial information, amino acid conservation, physicochemical variation, residue mobility, and thermodynamic stability) performed at Invitae indicates that this missense variant is expected to disrupt CRB1 protein function with a positive predictive value of 95%. In summary, the currently available evidence indicates that the variant is pathogenic, but additional data are needed to prove that conclusively. Therefore, this variant has been classified as Likely Pathogenic.

Baylor Genetics
Classification: Likely pathogenic for Leber congenital amaurosis 8. Last evaluated: 2024-02-12. Review status: criteria provided, single submitter. Criteria: ACMG Guidelines, 2015. Collection method: clinical testing. Allele origin: unknown.

Blueprint Genetics
Classification: Pathogenic for CRB1-related disorders. Last evaluated: 2019-12-13. Review status: criteria provided, single submitter. Criteria: ACMG Guidelines, 2015. Collection method: clinical testing. Allele origin: germline. Affected: yes. Observed: 4 variant alleles.

Literature cited by the submitters: PubMed 33579689 (cited by Labcorp Genetics (formerly Invitae), Labcorp).

NM_201253.3(CRB1):c.601T>C (p.Cys201Arg)

Gene: CRB1 (crumbs cell polarity complex component 1; plus strand). Cytogenetic location: 1q31.3.
Variant type: single nucleotide variant.
Coding change: c.601T>C on transcript NM_201253.3 (MANE Select); coding-DNA position 601, T replaced by C.
Protein change: p.Cys201Arg; replaces cysteine 201 with arginine.
Molecular consequence: missense variant. On other transcripts: non-coding transcript variant (2).
Genome position (GRCh38, 1-based): chr1:197,328,952, T>C. VCF-style: chr1-197328952-T-C. GRCh37 (hg19) VCF-style: chr1-197298082-T-C.
Other names: c.601T>C, p.Cys201Arg (NM_001193640.2, NM_001257966.2); c.394T>C, p.Cys132Arg (NM_001257965.2); short protein forms C132R, C201R.
Identifiers: ClinVar variation 968530 (VCV000968530.9), dbSNP rs762835866, ClinGen allele CA1311661.